The following is an entry in ClinVar:

ClinVar aggregate classification (germline): Uncertain significance (1 of 4 stars; one submission).

Submission:

GeneDx
Classification: Uncertain significance. Last evaluated: 2025-03-04. Review status: criteria provided, single submitter. Criteria: GeneDx Variant Classification Process June 2021. Collection method: clinical testing. Allele origin: germline. Affected: yes.
Comment: Not observed at significant frequency in large population cohorts (gnomAD); In-frame deletion of 11 amino acid(s) in a non-repeat region; In silico analysis supports a deleterious effect on protein structure/function; Has not been previously published as pathogenic or benign to our knowledge

NM_015570.4(AUTS2):c.3270_3302del (p.Gly1091_Leu1101del)

Gene: AUTS2 (activator of transcription and developmental regulator AUTS2; plus strand). Cytogenetic location: 7q11.22.
Variant type: Deletion.
Coding change: c.3270_3302del on transcript NM_015570.4 (MANE Select); coding-DNA positions 3270 to 3302, 33 bases deleted.
Protein change: p.Gly1091_Leu1101del.
Genome position (GRCh38, 1-based): chr7:70,790,486-70,790,518, 33 bases deleted; deleting any 33 consecutive bases within chr7:70,790,478-70,790,518 gives the same sequence; the c. name uses the placement nearest the transcript's 3' end. GRCh37 (hg19): chr7:70,255,472-70,255,504.
Other names: c.3198_3230del, p.Gly1067_Leu1077del (NM_001127231.3).
Identifiers: ClinVar variation 4082616 (VCV004082616.1).
Genomic context (GRCh38, chr7:70,790,477, plus strand): 5'-CTGGGACCCCATCCGGGACCCCTTGAGGGATCCTTACCGAGAACTTGACATTCACCGGAG[AGACCCGCTGGGCAGGGACTTCCTGCTAAGGAAC>A]GACCCGCTCCACCGGCTCTCGACTCCCCGGCTGTACGAAGCCGACCGCTCCTTCAGGGAC-3'